The following is an entry in ClinVar:

NM_000540.3(RYR1):c.6932C>G (p.Pro2311Arg)

Gene: RYR1 (ryanodine receptor 1; plus strand). Cytogenetic location: 19q13.2.
Variant type: single nucleotide variant.
Coding change: c.6932C>G on transcript NM_000540.3 (MANE Select); coding-DNA position 6932, C replaced by G.
Protein change: p.Pro2311Arg; replaces proline 2311 with arginine.
Molecular consequence: missense variant.
Genome position (GRCh38, 1-based): chr19:38,499,148, C>G. VCF-style: chr19-38499148-C-G. GRCh37 (hg19) VCF-style: chr19-38989788-C-G.
Other names: c.6932C>G, p.Pro2311Arg (NM_001042723.2); short protein forms P2311R.
Identifiers: ClinVar variation 3073741 (VCV003073741.1), dbSNP rs137871773, ClinGen allele CA405667208.
Genomic context (GRCh38, chr19:38,499,148, plus strand): 5'-TGAGCCCCTTCTGCCCCCAGGTTGTGTCCTACCTGGCAGGCTGTGGCCTCCAGAGCTGCC[C>G]CATGCTTGTGGCCAAAGGGTACCCAGACATTGGCTGGAACCCCTGTGGTGGAGAGCGCTA-3'
Protein context (NP_000531.2, residues 2301-2321): YLAGCGLQSC[Pro2311Arg]MLVAKGYPDI

ClinVar aggregate classification (germline): Uncertain significance (1 of 4 stars; one submission).

Conditions:
Malignant hyperthermia, susceptibility to, 1 (MHS1). Also called: Anesthesia related hyperthermia; Malignant hyperpyrexia; Fulminating hyperpyrexia; Pharmacogenic myopathy; RYR1-Related Malignant Hyperthermia Susceptibility; Malignant hyperthermia suceptibility 1. Identifiers: Orphanet 423, MedGen C2930980, MONDO:0007783, OMIM 145600.

Submission:

All of Us Research Program, National Institutes of Health
Classification: Uncertain significance for Malignant hyperthermia, susceptibility to, 1. Last evaluated: 2023-10-06. Review status: criteria provided, single submitter. Criteria: ACMG Guidelines, 2015. Collection method: clinical testing. Allele origin: germline. Inheritance: Autosomal dominant inheritance. Observed: 1 variant allele, 1 heterozygote.
Comment: This missense variant replaces proline with arginine at codon 2311 of the RYR1 protein. Computational prediction suggests that this variant may not impact protein structure and function (internally defined REVEL score threshold <= 0.5, PMID: 27666373). To our knowledge, functional studies have not been reported for this variant. This variant has not been reported in individuals affected with RYR1-related disorders in the literature. This variant has not been identified in the general population by the Genome Aggregation Database (gnomAD). The available evidence is insufficient to determine the role of this variant in disease conclusively. Therefore, this variant is classified as a Variant of Uncertain Significance.

This study involves interpretation of variants in research participants for the purpose of population health screening. Participant phenotype was not available at the time of variant classification. Additional details can be found in publication PMID: 35346344, PMCID: PMC8962531